The following is an entry in ClinVar:

NM_000875.5(IGF1R):c.3248C>T (p.Thr1083Ile)

Gene: IGF1R (insulin like growth factor 1 receptor; plus strand). Cytogenetic location: 15q26.3.
Variant type: single nucleotide variant.
Coding change: c.3248C>T on transcript NM_000875.5 (MANE Select); coding-DNA position 3248, C replaced by T.
Protein change: p.Thr1083Ile; replaces threonine 1083 with isoleucine.
Molecular consequence: missense variant.
Genome position (GRCh38, 1-based): chr15:98,935,377, C>T. VCF-style: chr15-98935377-C-T. GRCh37 (hg19) VCF-style: chr15-99478606-C-T.
Other names: c.3245C>T, p.Thr1082Ile (NM_001291858.2); short protein forms T1082I, T1083I.
Identifiers: ClinVar variation 3691564 (VCV003691564.2).

ClinVar aggregate classification (germline): Uncertain significance (1 of 4 stars; one submission).

Submission:

Labcorp Genetics (formerly Invitae), Labcorp
Classification: Uncertain significance. Last evaluated: 2024-11-05. Review status: criteria provided, single submitter. Criteria: Invitae Variant Classification Sherloc (09022015). Collection method: clinical testing. Allele origin: germline.
Comment: This sequence change replaces threonine, which is neutral and polar, with isoleucine, which is neutral and non-polar, at codon 1083 of the IGF1R protein (p.Thr1083Ile). This variant is not present in population databases (gnomAD no frequency). This variant has not been reported in the literature in individuals affected with IGF1R-related conditions. Invitae Evidence Modeling of protein sequence and biophysical properties (such as structural, functional, and spatial information, amino acid conservation, physicochemical variation, residue mobility, and thermodynamic stability) indicates that this missense variant is not expected to disrupt IGF1R protein function with a negative predictive value of 80%. In summary, the available evidence is currently insufficient to determine the role of this variant in disease. Therefore, it has been classified as a Variant of Uncertain Significance.